The following is an entry in ClinVar:

NM_015915.5(ATL1):c.439A>T (p.Thr147Ser)

Gene: ATL1 (atlastin GTPase 1; plus strand). Cytogenetic location: 14q22.1.
Variant type: single nucleotide variant.
Coding change: c.439A>T on transcript NM_015915.5 (MANE Select); coding-DNA position 439, A replaced by T.
Protein change: p.Thr147Ser; replaces threonine 147 with serine.
Molecular consequence: missense variant.
Genome position (GRCh38, 1-based): chr14:50,591,556, A>T. VCF-style: chr14-50591556-A-T. GRCh37 (hg19) VCF-style: chr14-51058274-A-T.
Other names: c.439A>T, p.Thr147Ser (NM_001127713.1, NM_181598.4); short protein forms T147S.
Identifiers: ClinVar variation 2578715 (VCV002578715.25), dbSNP rs2039158340, ClinGen allele CA389667237.

ClinVar aggregate classification (germline): Uncertain significance (1 of 4 stars; one submission).

gnomAD v4.1: 1 of 1,613,520 alleles (0.000062%); no homozygotes.

Submission:

CeGaT Center for Human Genetics Tuebingen
Classification: Uncertain significance. Last evaluated: 2023-08-01. Review status: criteria provided, single submitter. Criteria: CeGaT Center For Human Genetics Tuebingen Variant Classification Criteria Version 2. Collection method: clinical testing. Allele origin: germline. Affected: yes. Observed: 1 variant allele.
Comment: ATL1: PM2, PP3